The following is an entry in ClinVar:

NM_000204.5(CFI):c.275A>G (p.Glu92Gly)

Gene: CFI (complement factor I; minus strand). Cytogenetic location: 4q25.
Variant type: single nucleotide variant.
Coding change: c.275A>G on transcript NM_000204.5 (MANE Select); coding-DNA position 275, A replaced by G.
Protein change: p.Glu92Gly; replaces glutamic acid 92 with glycine.
Molecular consequence: missense variant. On other transcripts: non-coding transcript variant (3), intron variant (1).
Genome position (GRCh38, 1-based): chr4:109,766,607, T>C on the plus strand (A>G on the coding strand, the complement: CFI is on the minus strand). VCF-style: chr4-109766607-T-C. GRCh37 (hg19) VCF-style: chr4-110687763-T-C.
Other names: c.275A>G, p.Glu92Gly (NM_001318057.2, NM_001331035.2, NM_001375278.1 and 5 more transcripts); c.-127-4915A>G (NM_001375284.1); short protein forms E92G.
Identifiers: ClinVar variation 2816288 (VCV002816288.4), dbSNP rs952446038, ClinGen allele CA103698262.

ClinVar aggregate classification (germline): Uncertain significance. Review status: criteria provided, multiple submitters, no conflicts (2 of 4 stars). 2 submissions from 2 submitters: Uncertain significance (2). Last evaluated 2024-05-15.

Conditions:
Atypical hemolytic-uremic syndrome with I factor anomaly. Also called: HEMOLYTIC UREMIC SYNDROME, ATYPICAL, SUSCEPTIBILITY TO, 3; AHUS, SUSCEPTIBILITY TO, 3. Identifiers: Orphanet 2134, MedGen C2752039, MONDO:0013041, OMIM 612923.
Age related macular degeneration 13. Identifiers: MedGen C3809523, MONDO:0014189, OMIM 615439.
Factor I deficiency (CFID). Also called: Complement factor I deficiency. Identifiers: Orphanet 200418, MedGen C3463916, MONDO:0012594, OMIM 610984.

Allele frequency attached by ClinVar (database versions not stated): gnomAD 0.00001; TOPMed 0.00001.

Submissions (2):

Fulgent Genetics
Classification: Uncertain significance for Factor I deficiency; Atypical hemolytic-uremic syndrome with I factor anomaly; Age related macular degeneration 13. Last evaluated: 2024-05-15. Review status: criteria provided, single submitter. Criteria: ACMG Guidelines, 2015. Collection method: clinical testing. Allele origin: germline.

Labcorp Genetics (formerly Invitae), Labcorp
Classification: Uncertain significance. Last evaluated: 2023-03-08. Review status: criteria provided, single submitter. Criteria: Invitae Variant Classification Sherloc (09022015). Collection method: clinical testing. Allele origin: germline.
Comment: This variant is not present in population databases (gnomAD no frequency). In summary, the available evidence is currently insufficient to determine the role of this variant in disease. Therefore, it has been classified as a Variant of Uncertain Significance. Advanced modeling of protein sequence and biophysical properties (such as structural, functional, and spatial information, amino acid conservation, physicochemical variation, residue mobility, and thermodynamic stability) performed at Invitae indicates that this missense variant is expected to disrupt CFI protein function. This variant has not been reported in the literature in individuals affected with CFI-related conditions. This sequence change replaces glutamic acid, which is acidic and polar, with glycine, which is neutral and non-polar, at codon 92 of the CFI protein (p.Glu92Gly).